The following is an entry in ClinVar:

NC_000013.11:g.(?_100111821)_(100112081_?)del

Gene: PCCA (propionyl-CoA carboxylase subunit alpha; plus strand). Cytogenetic location: 13q32.3.
Variant type: Deletion.
Identifiers: ClinVar variation 3244148 (VCV003244148.1).

ClinVar aggregate classification (germline): Pathogenic (1 of 4 stars; one submission).

Conditions:
Propionic acidemia (PROP). Also called: GLYCINEMIA, KETOTIC; HYPERGLYCINEMIA WITH KETOACIDOSIS AND LEUKOPENIA; KETOTIC HYPERGLYCINEMIA. Identifiers: Orphanet 35, MedGen C0268579, MONDO:0011628, OMIM 606054, HP:0003571.

Submission:

Labcorp Genetics (formerly Invitae), Labcorp
Classification: Pathogenic for Propionic acidemia. Last evaluated: 2023-07-18. Review status: criteria provided, single submitter. Criteria: Invitae Variant Classification Sherloc (09022015). Collection method: clinical testing. Allele origin: unknown.
Comment: This variant is a gross deletion of the genomic region encompassing exon(s) 3-4 of the PCCA gene. This variant would be expected to be in-frame, preserving the integrity of the reading frame. For these reasons, this variant has been classified as Pathogenic. Experimental studies have shown that a similar copy number variant affects PCCA function (PMID: 19157943, 22033733). Algorithms developed to predict the effect of variants on protein structure and function are not available or were not evaluated for this variant. A similar copy number variant has been observed in individuals with propionic acidemia (PMID: 19157943, 22033733).

Literature cited by the submitters: PubMed 19157943; PubMed 22033733.